The following is an entry in ClinVar:

NM_004525.3(LRP2):c.9400T>C (p.Tyr3134His)

Gene: LRP2 (LDL receptor related protein 2; minus strand). Cytogenetic location: 2q31.1.
Variant type: single nucleotide variant.
Coding change: c.9400T>C on transcript NM_004525.3 (MANE Select); coding-DNA position 9400, T replaced by C.
Protein change: p.Tyr3134His; replaces tyrosine 3134 with histidine.
Molecular consequence: missense variant.
Genome position (GRCh38, 1-based): chr2:169,185,948, A>G on the plus strand (T>C on the coding strand, the complement: LRP2 is on the minus strand). VCF-style: chr2-169185948-A-G. GRCh37 (hg19) VCF-style: chr2-170042458-A-G.
Other names: short protein forms Y3134H.
Identifiers: ClinVar variation 1465227 (VCV001465227.6), dbSNP rs144004999, ClinGen allele CA1953581.

ClinVar aggregate classification (germline): Uncertain significance (1 of 4 stars; one submission).

Allele frequency attached by ClinVar (database versions not stated): ExAC 0.00001; gnomAD 0.00001; TOPMed 0.00002; ESP Exome Variant Server 0.00008.
gnomAD v4.1: 1 of 1,613,938 alleles (0.000062%); highest among the groups gnomAD compares: African/African-American, 0.0013%; no homozygotes.

Submission:

Labcorp Genetics (formerly Invitae), Labcorp
Classification: Uncertain significance. Last evaluated: 2022-11-22. Review status: criteria provided, single submitter. Criteria: Invitae Variant Classification Sherloc (09022015). Collection method: clinical testing. Allele origin: germline.
Comment: In summary, the available evidence is currently insufficient to determine the role of this variant in disease. Therefore, it has been classified as a Variant of Uncertain Significance. Advanced modeling of protein sequence and biophysical properties (such as structural, functional, and spatial information, amino acid conservation, physicochemical variation, residue mobility, and thermodynamic stability) performed at Invitae indicates that this missense variant is not expected to disrupt LRP2 protein function. This sequence change replaces tyrosine, which is neutral and polar, with histidine, which is basic and polar, at codon 3134 of the LRP2 protein (p.Tyr3134His). ClinVar contains an entry for this variant (Variation ID: 1465227). This variant has not been reported in the literature in individuals affected with LRP2-related conditions. This variant is not present in population databases (gnomAD no frequency).